The following is an entry in ClinVar:

ClinVar aggregate classification (germline): Uncertain significance (1 of 4 stars; one submission).

Conditions:
Pitt-Hopkins-like syndrome 2 (PTHSL2). Identifiers: Orphanet 221150, Orphanet 600663, MedGen C3280479, MONDO:0013690, OMIM 614325.

Submission:

Labcorp Genetics (formerly Invitae), Labcorp
Classification: Uncertain significance for Pitt-Hopkins-like syndrome 2. Last evaluated: 2022-11-10. Review status: criteria provided, single submitter. Criteria: Invitae Variant Classification Sherloc (09022015). Collection method: clinical testing. Allele origin: germline.
Comment: This variant has not been reported in the literature in individuals affected with NRXN1-related conditions. This variant is not present in population databases (gnomAD no frequency). This sequence change replaces glutamine, which is neutral and polar, with histidine, which is basic and polar, at codon 1174 of the NRXN1 protein (p.Gln1174His). Advanced modeling of protein sequence and biophysical properties (such as structural, functional, and spatial information, amino acid conservation, physicochemical variation, residue mobility, and thermodynamic stability) performed at Invitae indicates that this missense variant is not expected to disrupt NRXN1 protein function. In summary, the available evidence is currently insufficient to determine the role of this variant in disease. Therefore, it has been classified as a Variant of Uncertain Significance.

NM_001330078.2(NRXN1):c.3402A>T (p.Gln1134His)

Gene: NRXN1 (neurexin 1; minus strand). Cytogenetic location: 2p16.3.
Variant type: single nucleotide variant.
Coding change: c.3402A>T on transcript NM_001330078.2 (MANE Select); coding-DNA position 3402, A replaced by T.
Protein change: p.Gln1134His; replaces glutamine 1134 with histidine.
Molecular consequence: missense variant.
Genome position (GRCh38, 1-based): chr2:50,236,933, T>A on the plus strand (A>T on the coding strand, the complement: NRXN1 is on the minus strand). VCF-style: chr2-50236933-T-A. GRCh37 (hg19) VCF-style: chr2-50464071-T-A.
Other names: c.3522A>T, p.Gln1174His (NM_001135659.3); c.3378A>T, p.Gln1126His (NM_001330077.2, NM_001330082.2); c.3336A>T, p.Gln1112His (NM_001330083.2, NM_001330084.2); c.3375A>T, p.Gln1125His (NM_001330085.2); c.3402A>T, p.Gln1134His (NM_001330086.2, NM_004801.6); c.3291A>T, p.Gln1097His (NM_001330087.2, NM_001330096.2); c.3321A>T, p.Gln1107His (NM_001330088.2); c.297A>T, p.Gln99His (NM_001330091.2, NM_001330092.2, NM_001330097.2 and 1 more transcripts); and 3 more; short protein forms Q1174H, Q1112H, Q1126H, Q99H, Q1097H, Q1133H, Q1107H, Q1117H.
Identifiers: ClinVar variation 2813261 (VCV002813261.3), dbSNP rs2465541743, ClinGen allele CA346821073.